The following is an entry in ClinVar:

NM_018230.3(NUP133):c.593A>T (p.Glu198Val)

Gene: NUP133 (nucleoporin 133; minus strand). Cytogenetic location: 1q42.13.
Variant type: single nucleotide variant.
Coding change: c.593A>T on transcript NM_018230.3 (MANE Select); coding-DNA position 593, A replaced by T.
Protein change: p.Glu198Val; replaces glutamic acid 198 with valine.
Molecular consequence: missense variant.
Genome position (GRCh38, 1-based): chr1:229,499,739, T>A on the plus strand (A>T on the coding strand, the complement: NUP133 is on the minus strand). VCF-style: chr1-229499739-T-A. GRCh37 (hg19) VCF-style: chr1-229635486-T-A.
Other names: short protein forms E198V.
Identifiers: ClinVar variation 2879572 (VCV002879572.3), dbSNP rs1661749609, ClinGen allele CA345169472.

ClinVar aggregate classification (germline): Uncertain significance (1 of 4 stars; one submission).

Allele frequency attached by ClinVar (database versions not stated): gnomAD exomes below 0.00001.

Submission:

Labcorp Genetics (formerly Invitae), Labcorp
Classification: Uncertain significance. Last evaluated: 2023-09-05. Review status: criteria provided, single submitter. Criteria: Invitae Variant Classification Sherloc (09022015). Collection method: clinical testing. Allele origin: germline.
Comment: In summary, the available evidence is currently insufficient to determine the role of this variant in disease. Therefore, it has been classified as a Variant of Uncertain Significance. An algorithm developed to predict the effect of missense changes on protein structure and function (PolyPhen-2) suggests that this variant is likely to be disruptive. This variant has not been reported in the literature in individuals affected with NUP133-related conditions. This variant is not present in population databases (gnomAD no frequency). This sequence change replaces glutamic acid, which is acidic and polar, with valine, which is neutral and non-polar, at codon 198 of the NUP133 protein (p.Glu198Val).